The following is an entry in ClinVar:

ClinVar aggregate classification (germline): Pathogenic/Likely pathogenic. Review status: criteria provided, multiple submitters, no conflicts (2 of 4 stars). 2 submissions from 2 submitters: Pathogenic (1); Likely pathogenic (1). Last evaluated 2025-12-10.

Conditions:
Odonto-onycho-dermal dysplasia. Identifiers: Orphanet 2721, MedGen C0796093, MONDO:0009773, OMIM 257980.
Tooth agenesis, selective, 4 (STHAG4). Also called: LATERAL INCISORS, ABSENCE OF; LATERAL INCISORS, PEGGED OR MISSING; SUCCEDANEOUS TEETH, AGENESIS OF; TOOTH AGENESIS, SELECTIVE, 4, WITH OR WITHOUT ECTODERMAL DYSPLASIA. Identifiers: Orphanet 99798, MedGen C1835492, MONDO:0007881, OMIM 150400. Disease mechanism: loss of function.
Schöpf-Schulz-Passarge syndrome. Also called: ECCRINE TUMORS WITH ECTODERMAL DYSPLASIA; KERATOSIS PALMOPLANTARIS WITH CYSTIC EYELIDS, HYPODONTIA, AND HYPOTRICHOSIS; SchC6pf-Schulz-Passarge syndrome. Identifiers: Orphanet 50944, MedGen C1857069, MONDO:0009145, OMIM 224750.

Submissions (2):

Natera, Inc.
Classification: Likely pathogenic for Schopf-Schulz-Passarge syndrome. Last evaluated: 2025-12-10. Review status: criteria provided, single submitter. Criteria: Natera Variant Classification Schema (03/2026). Collection method: clinical testing. Allele origin: germline.
Comment: The c.812del variant in WNT10A is a frameshift variant predicted to shift the reading frame beginning at codon 271 and leads to a stop codon 9 codons downstream. This variant is expected to result in nonsense mediated decay, truncation, or a dysfunctional protein product. This variant is rare in the general population with a frequency below the threshold expected for the associated phenotype(s). Given the available evidence, this variant is classified as Likely Pathogenic.

Labcorp Genetics (formerly Invitae), Labcorp
Classification: Pathogenic for Tooth agenesis, selective, 4; Odonto-onycho-dermal dysplasia. Last evaluated: 2024-08-14. Review status: criteria provided, single submitter. Criteria: Invitae Variant Classification Sherloc (09022015). Collection method: clinical testing. Allele origin: germline.
Comment: This sequence change creates a premature translational stop signal (p.Cys271Serfs*9) in the WNT10A gene. While this is not anticipated to result in nonsense mediated decay, it is expected to disrupt the last 147 amino acid(s) of the WNT10A protein. This variant is not present in population databases (gnomAD no frequency). This variant has not been reported in the literature in individuals affected with WNT10A-related conditions. This variant disrupts a region of the WNT10A protein in which other variant(s) (p.Glu390*) have been determined to be pathogenic (PMID: 24902757). This suggests that this is a clinically significant region of the protein, and that variants that disrupt it are likely to be disease-causing. For these reasons, this variant has been classified as Pathogenic.

Literature cited by the submitters: PubMed 24902757 (cited by Labcorp Genetics (formerly Invitae), Labcorp).

NM_025216.3(WNT10A):c.812del (p.Cys271fs)

Gene: WNT10A (Wnt family member 10A; plus strand). Cytogenetic location: 2q35.
Variant type: Deletion.
Coding change: c.812del on transcript NM_025216.3 (MANE Select); coding-DNA position 812, one base deleted (G; older notation c.812delG).
Protein change: p.Cys271fs; shifts the reading frame from cysteine 271.
Molecular consequence: frameshift variant.
Genome position (GRCh38, 1-based): chr2:218,892,829, G deleted. VCF-style (leftmost placement, unchanged base first): chr2-218892828-TG-T. GRCh37 (hg19) VCF-style: chr2-219757550-TG-T.
Other names: c.812del (NM_025216.2); short protein forms C271fs.
Identifiers: ClinVar variation 3753111 (VCV003753111.3).